The following is an entry in ClinVar:

ClinVar aggregate classification (germline): Likely benign (0 of 4 stars; one submission).

Conditions:
PLEKHA5-related disorder. Also called: PLEKHA5-related condition.

Allele frequency attached by ClinVar (database versions not stated): gnomAD exomes below 0.00001; TOPMed 0.00001.
gnomAD v4.1: 2 of 1,589,414 alleles (0.00013%); highest among the groups gnomAD compares: Non-Finnish European, 0.00017%; no homozygotes.

Submission:

PreventionGenetics, part of Exact Sciences
Classification: Likely benign for PLEKHA5-related condition. Last evaluated: 2019-05-23. Review status: no assertion criteria provided. Collection method: clinical testing. Allele origin: germline.
Comment: This variant is classified as likely benign based on ACMG/AMP sequence variant interpretation guidelines (Richards et al. 2015 PMID: 25741868, with internal and published modifications).

NM_001256470.2(PLEKHA5):c.3608+6A>G

Gene: PLEKHA5 (pleckstrin homology domain containing A5; plus strand). Cytogenetic location: 12p12.3.
Variant type: single nucleotide variant.
Coding change: c.3608+6A>G on transcript NM_001256470.2 (MANE Select); 6 bases into the intron after coding-DNA position 3608, A replaced by G.
Molecular consequence: intron variant.
Genome position (GRCh38, 1-based): chr12:19,361,712, A>G. VCF-style: chr12-19361712-A-G. GRCh37 (hg19) VCF-style: chr12-19514646-A-G.
Other names: c.3608+6A>G (NM_001385926.1); c.3419+6A>G (NM_001385929.1); c.3188+6A>G (NM_001385937.1); c.3572+6A>G (NM_001385924.1); c.3383+6A>G (NM_001385931.1); c.3245+6A>G (NM_001385934.1); c.3488+6A>G (NM_001385927.1); c.3590+6A>G (NM_001385923.1); and 30 more.
Identifiers: ClinVar variation 3039532 (VCV003039532.2), dbSNP rs2095249086, ClinGen allele CA2020099253.
Genomic context (GRCh38, chr12:19,361,712, plus strand): 5'-AAATGATGGATAAAGAAAGAAACAAAGACAAAATGCCTGAGGATGTTACATTCAGGTAAT[A>G]TTTAAGAAAAGCAAAGGAATCATTCACAAAACTGTGTAACTGCTTAAAAATGGTGAACTT-3'